The following is an entry in ClinVar:

NM_017491.5(WDR1):c.1164G>A (p.Val388=)

Gene: WDR1 (WD repeat domain 1; minus strand). Cytogenetic location: 4p16.1.
Variant type: single nucleotide variant.
Coding change: c.1164G>A on transcript NM_017491.5 (MANE Select); coding-DNA position 1164, G replaced by A.
Protein change: p.Val388=; no amino-acid change (valine 388 retained).
Molecular consequence: synonymous variant.
Genome position (GRCh38, 1-based): chr4:10,083,054, C>T on the plus strand (G>A on the coding strand, the complement: WDR1 is on the minus strand). VCF-style: chr4-10083054-C-T. GRCh37 (hg19) VCF-style: chr4-10084678-C-T.
Other names: c.744G>A, p.Val248= (NM_005112.5).
Identifiers: ClinVar variation 738527 (VCV000738527.37), dbSNP rs375965539, ClinGen allele CA2857726.
Genomic context (GRCh38, chr4:10,083,054, plus strand): 5'-GAACCCCCGCAGACCCGAGTGCTCTCACCTGTAGTCCCGCAGCATGAGGCTGGTGTACCG[C>T]ACGGTGTCGTCCATGCTGCAGCTGATGAGCTGCCCCGACTCATCCACGGTCATCCTGGAC-3'
Protein context (NP_059830.1, residues 378-398): QLISCSMDDT[Val388=]RYTSLMLRDY

ClinVar aggregate classification (germline): Likely benign. Review status: criteria provided, multiple submitters, no conflicts (2 of 4 stars). 5 submissions from 5 submitters: Likely benign (4). 1 of the submissions does not count toward it. Last evaluated 2026-01-20.

Conditions:
WDR1-related disorder. Also called: WDR1-related condition.

Allele frequency attached by ClinVar (database versions not stated): gnomAD 0.00031 and 0.00026; TOPMed 0.00036; ESP Exome Variant Server 0.00039; 1000 Genomes Project 0.00100; 1000 Genomes Project 30x 0.00141; gnomAD exomes 0.00011 and 0.00018; ExAC 0.00023.
gnomAD v4.1: 226 of 1,613,760 alleles (0.014%); highest among the groups gnomAD compares: Middle Eastern, 0.45%; no homozygotes.

Submissions (5):

Labcorp Genetics (formerly Invitae), Labcorp
Classification: Likely benign. Last evaluated: 2026-01-20. Review status: criteria provided, single submitter. Criteria: Invitae Variant Classification Sherloc (09022015). Collection method: clinical testing. Allele origin: germline.

Blueprint Genetics
Classification: Likely benign. Last evaluated: 2024-11-11. Review status: criteria provided, single submitter. Criteria: ACMG Guidelines, 2015. Collection method: clinical testing. Allele origin: germline.

CeGaT Center for Human Genetics Tuebingen
Classification: Likely benign. Last evaluated: 2023-04-01. Review status: criteria provided, single submitter. Criteria: CeGaT Center For Human Genetics Tuebingen Variant Classification Criteria Version 2. Collection method: clinical testing. Allele origin: germline. Affected: yes. Observed: 1 variant allele.
Comment: WDR1: BP4, BP7

Breakthrough Genomics
Classification: Likely benign. Review status: criteria provided, single submitter. Criteria: ACMG Guidelines, 2015. Collection method: not provided. Allele origin: germline. Inheritance: Autosomal recessive inheritance. Affected: yes.

PreventionGenetics, part of Exact Sciences
Classification: Likely benign for WDR1-related condition. Last evaluated: 2020-10-29. Review status: no assertion criteria provided. Collection method: clinical testing. Allele origin: germline. Not counted in ClinVar's aggregate classification.
Comment: This variant is classified as likely benign based on ACMG/AMP sequence variant interpretation guidelines (Richards et al. 2015 PMID: 25741868, with internal and published modifications).